The following is an entry in ClinVar:

ClinVar aggregate classification (germline): Uncertain significance (1 of 4 stars; one submission).

Conditions:
Werner syndrome (WRN). Identifiers: Orphanet 902, MedGen C0043119, MONDO:0010196, OMIM 277700.

gnomAD v4.1: 1 of 1,612,108 alleles (0.000062%); highest among the groups gnomAD compares: African/African-American, 0.0013%; no homozygotes.

Submission:

Labcorp Genetics (formerly Invitae), Labcorp
Classification: Uncertain significance for Werner syndrome. Last evaluated: 2024-02-20. Review status: criteria provided, single submitter. Criteria: Invitae Variant Classification Sherloc (09022015). Collection method: clinical testing. Allele origin: germline.
Comment: This sequence change replaces threonine, which is neutral and polar, with proline, which is neutral and non-polar, at codon 573 of the WRN protein (p.Thr573Pro). This variant is not present in population databases (gnomAD no frequency). This variant has not been reported in the literature in individuals affected with WRN-related conditions. ClinVar contains an entry for this variant (Variation ID: 404035). An algorithm developed to predict the effect of missense changes on protein structure and function (PolyPhen-2) suggests that this variant is likely to be disruptive. In summary, the available evidence is currently insufficient to determine the role of this variant in disease. Therefore, it has been classified as a Variant of Uncertain Significance.

NM_000553.6(WRN):c.1717A>C (p.Thr573Pro)

Gene: WRN (WRN RecQ like helicase; plus strand). Cytogenetic location: 8p12.
Variant type: single nucleotide variant.
Coding change: c.1717A>C on transcript NM_000553.6 (MANE Select); coding-DNA position 1717, A replaced by C.
Protein change: p.Thr573Pro; replaces threonine 573 with proline.
Molecular consequence: missense variant.
Genome position (GRCh38, 1-based): chr8:31,090,529, A>C. VCF-style: chr8-31090529-A-C. GRCh37 (hg19) VCF-style: chr8-30948045-A-C.
Other names: short protein forms T573P.
Identifiers: ClinVar variation 404035 (VCV000404035.6), dbSNP rs150148567, ClinGen allele CA16612482.